The following is an entry in ClinVar:

NM_015205.3(ATP11A):c.1104C>T (p.Val368=)

Gene: ATP11A (ATPase phospholipid transporting 11A; plus strand). Cytogenetic location: 13q34.
Variant type: single nucleotide variant.
Coding change: c.1104C>T on transcript NM_015205.3 (MANE Select); coding-DNA position 1104, C replaced by T.
Protein change: p.Val368=; no amino-acid change (valine 368 retained).
Molecular consequence: synonymous variant.
Genome position (GRCh38, 1-based): chr13:112,826,774, C>T. VCF-style: chr13-112826774-C-T. GRCh37 (hg19) VCF-style: chr13-113481088-C-T.
Other names: c.1104C>T, p.Val368= (NM_032189.4).
Identifiers: ClinVar variation 776905 (VCV000776905.30), dbSNP rs144248225, ClinGen allele CA7056636.
Genomic context (GRCh38, chr13:112,826,774, plus strand): 5'-CTTCCTGGCCTTCATGGTCCTCTTTAACTACATCATCCCTGTGTCCATGTACGTCACGGT[C>T]GAGATGCAGAAGTTCCTCGGCTCTTACTTCATCACCTGGGACGAAGACATGTTTGACGAG-3'
Protein context (NP_056020.2, residues 358-378): YIIPVSMYVT[Val368=]EMQKFLGSYF

ClinVar aggregate classification (germline): Benign. Review status: criteria provided, multiple submitters, no conflicts (2 of 4 stars). 3 submissions from 3 submitters: Benign (3). Last evaluated 2026-08-01.

Allele frequency attached by ClinVar (database versions not stated): gnomAD exomes 0.00864; gnomAD 0.00873 and 0.00909; ExAC 0.00884; ESP Exome Variant Server 0.00992; 1000 Genomes Project 30x 0.00297; 1000 Genomes Project 0.00300; TOPMed 0.00791.
gnomAD v4.1: 18,470 of 1,614,108 alleles (1.1%); highest among the groups gnomAD compares: Non-Finnish European, 1.4%; 150 homozygotes.

Submissions (3):

CeGaT Center for Human Genetics Tuebingen
Classification: Benign. Last evaluated: 2026-08-01. Review status: criteria provided, single submitter. Criteria: CeGaT Center For Human Genetics Tuebingen Variant Classification Criteria Version 2. Collection method: clinical testing. Allele origin: germline. Affected: yes. Observed: 19 variant alleles.
Comment: ATP11A: BP4, BP7, BS1, BS2

Labcorp Genetics (formerly Invitae), Labcorp
Classification: Benign. Last evaluated: 2019-12-31. Review status: criteria provided, single submitter. Criteria: Invitae Variant Classification Sherloc (09022015). Collection method: clinical testing. Allele origin: germline.

Breakthrough Genomics
Classification: Benign. Review status: criteria provided, single submitter. Criteria: ACMG Guidelines, 2015. Collection method: not provided. Allele origin: germline. Inheritance: Autosomal dominant inheritance. Affected: yes.